The following is an entry in ClinVar:

NM_000053.4(ATP7B):c.2300C>T (p.Pro767Leu)

Gene: ATP7B (ATPase copper transporting beta; minus strand). Cytogenetic location: 13q14.3.
Variant type: single nucleotide variant.
Coding change: c.2300C>T on transcript NM_000053.4 (MANE Select); coding-DNA position 2300, C replaced by T.
Protein change: p.Pro767Leu; replaces proline 767 with leucine.
Molecular consequence: missense variant. On other transcripts: intron variant (2).
Genome position (GRCh38, 1-based): chr13:51,958,366, G>A on the plus strand (C>T on the coding strand, the complement: ATP7B is on the minus strand). VCF-style: chr13-51958366-G-A. GRCh37 (hg19) VCF-style: chr13-52532502-G-A.
Other names: c.1967C>T, p.Pro656Leu (NM_001243182.2); c.2048C>T, p.Pro683Leu (NM_001330579.2); c.1870-759C>T (NM_001005918.3); c.2122-759C>T (NM_001330578.2); short protein forms P683L, P656L, P767L.
Identifiers: ClinVar variation 651012 (VCV000651012.17), dbSNP rs776668666, ClinGen allele CA6989067.
Genomic context (GRCh38, chr13:51,958,366, plus strand): 5'-GTTACCTTTGCCAAGTGTTCCAGCCACCGGCCCAGGGCAATGAACACAAAGAGCATGGGG[G>A]GCGTGTCGAAGAATGTCACAGGGCTCCTCTCCGCCTTCTCAGCCACAGCAACCACCAGGA-3'
Protein context (NP_000044.2, residues 757-777): ERSPVTFFDT[Pro767Leu]PMLFVFIALG

ClinVar aggregate classification (germline): Pathogenic/Likely pathogenic. Review status: criteria provided, multiple submitters, no conflicts (2 of 4 stars). 6 submissions from 6 submitters: Pathogenic (1); Likely pathogenic (5). Last evaluated 2026-01-13.

Conditions:
Wilson disease (WND). Also called: Wilson's disease. Identifiers: Orphanet 905, MedGen C0019202, MONDO:0010200, OMIM 277900. Disease mechanism: loss of function.

Allele frequency attached by ClinVar (database versions not stated): ExAC 0.00001; gnomAD exomes 0.00001; gnomAD 0.00003; TOPMed 0.00003.
gnomAD v4.1: 12 of 1,614,086 alleles (0.00074%); highest among the groups gnomAD compares: African/African-American, 0.0093%; no homozygotes.

Submissions (6):

Natera, Inc.
Classification: Likely pathogenic for Wilson disease. Last evaluated: 2026-01-13. Review status: criteria provided, single submitter. Criteria: Natera Variant Classification Schema (03/2026). Collection method: clinical testing. Allele origin: germline.
Comment: The c.2300C>T variant in ATP7B is a missense variant predicted to cause substitution of proline to leucine at amino acid 767. This variant is rare in the general population with a frequency below the threshold expected for the associated phenotype(s). This variant has been observed in one or more individuals affected with the associated recessive disease, as either homozygous or compound heterozygous with a second variant (PMID: 25497208, 39535360). A different variant at the same position has been determined to be Pathogenic or Likely Pathogenic. Computational prediction algorithms indicate this variant is likely to affect gene or protein function. Given the available evidence, this variant is classified as Likely Pathogenic.

Labcorp Genetics (formerly Invitae), Labcorp
Classification: Pathogenic for Wilson disease. Last evaluated: 2025-12-25. Review status: criteria provided, single submitter. Criteria: Invitae Variant Classification Sherloc (09022015). Collection method: clinical testing. Allele origin: germline.
Comment: This sequence change replaces proline, which is neutral and non-polar, with leucine, which is neutral and non-polar, at codon 767 of the ATP7B protein (p.Pro767Leu). This variant is present in population databases (rs776668666, gnomAD 0.008%). This missense change has been observed in individual(s) with Wilson disease (PMID: 25497208). In at least one individual the data is consistent with being in trans (on the opposite chromosome) from a pathogenic variant. ClinVar contains an entry for this variant (Variation ID: 651012). Invitae Evidence Modeling of protein sequence and biophysical properties (such as structural, functional, and spatial information, amino acid conservation, physicochemical variation, residue mobility, and thermodynamic stability) indicates that this missense variant is expected to disrupt ATP7B protein function with a positive predictive value of 80%. This variant disrupts the p.Pro767 amino acid residue in ATP7B. Other variant(s) that disrupt this residue have been determined to be pathogenic (PMID: 29085216). This suggests that this residue is clinically significant, and that variants that disrupt this residue are likely to be disease-causing. For these reasons, this variant has been classified as Pathogenic.

Fulgent Genetics
Classification: Likely pathogenic for Wilson disease. Last evaluated: 2024-04-30. Review status: criteria provided, single submitter. Criteria: ACMG Guidelines, 2015. Collection method: clinical testing. Allele origin: germline.

All of Us Research Program, National Institutes of Health
Classification: Likely pathogenic for Wilson disease. Last evaluated: 2024-02-05. Review status: criteria provided, single submitter. Criteria: ACMG Guidelines, 2015. Collection method: clinical testing. Allele origin: germline. Inheritance: Autosomal recessive inheritance. Observed: 1 variant allele, 1 heterozygote.
Comment: This missense variant replaces proline with leucine at codon 767 of the ATP7B protein. Computational prediction suggests that this variant may have deleterious impact on protein structure and function (internally defined REVEL score threshold >= 0.7, PMID: 27666373). Although functional studies have not been reported for this variant, it alters a conserved proline residue in the transmembrane domain M4 of the ATP7B protein (a.a. 764 - 784), a highly conserved region that is considered to be important for ATP7B protein function (PMID: 35245129; ClinVar). This variant has been observed in the compound heterozygous state with a pathogenic variant in the same gene in an individual affected with autosomal recessive Wilson disease (PMID: 25497208), indicating that this variant contributes to disease. This variant has been identified in 3/280964 chromosomes in the general population by the Genome Aggregation Database (gnomAD). Based on the available evidence, this variant is classified as Likely Pathogenic.

This study involves interpretation of variants in research participants for the purpose of population health screening. Participant phenotype was not available at the time of variant classification. Additional details can be found in publication PMID: 35346344, PMCID: PMC8962531

AiLife Diagnostics
Classification: Likely pathogenic. Last evaluated: 2022-03-21. Review status: criteria provided, single submitter. Criteria: ACMG Guidelines, 2015. Collection method: clinical testing. Allele origin: germline. Affected: yes. Observed: 1 variant allele.

Genome-Nilou Lab
Classification: Likely pathogenic for Wilson disease. Last evaluated: 2021-08-10. Review status: criteria provided, single submitter. Criteria: ACMG Guidelines, 2015. Collection method: clinical testing. Allele origin: germline. Affected: no.

Literature cited by the submitters: PubMed 25497208 (cited by 4 submitters); PubMed 39535360 (cited by Natera, Inc.); PubMed 29085216 (cited by Labcorp Genetics (formerly Invitae), Labcorp); PubMed 35245129 (cited by All of Us Research Program, National Institutes of Health).